The following is an entry in ClinVar:

ClinVar aggregate classification (germline): Uncertain significance (1 of 4 stars; one submission).

gnomAD v4.1: 4 of 1,582,782 alleles (0.00025%); highest among the groups gnomAD compares: Non-Finnish European, 0.00035%; no homozygotes.

Submission:

Labcorp Genetics (formerly Invitae), Labcorp
Classification: Uncertain significance. Last evaluated: 2025-07-05. Review status: criteria provided, single submitter. Criteria: Invitae Variant Classification Sherloc (09022015). Collection method: clinical testing. Allele origin: germline.
Comment: This sequence change replaces threonine, which is neutral and polar, with isoleucine, which is neutral and non-polar, at codon 184 of the KIF23 protein (p.Thr184Ile). This variant is not present in population databases (gnomAD no frequency). This variant has not been reported in the literature in individuals affected with KIF23-related conditions. An algorithm developed to predict the effect of missense changes on protein structure and function (PolyPhen-2) suggests that this variant is likely to be tolerated. In summary, the available evidence is currently insufficient to determine the role of this variant in disease. Therefore, it has been classified as a Variant of Uncertain Significance.

NM_001367805.3(KIF23):c.551C>T (p.Thr184Ile)

Gene: KIF23 (kinesin family member 23; plus strand). Cytogenetic location: 15q23.
Variant type: single nucleotide variant.
Coding change: c.551C>T on transcript NM_001367805.3 (MANE Select); coding-DNA position 551, C replaced by T.
Protein change: p.Thr184Ile; replaces threonine 184 with isoleucine.
Molecular consequence: missense variant. On other transcripts: non-coding transcript variant (2).
Genome position (GRCh38, 1-based): chr15:69,422,423, C>T. VCF-style: chr15-69422423-C-T. GRCh37 (hg19) VCF-style: chr15-69714762-C-T.
Other names: c.221C>T, p.Thr74Ile (NM_001281301.2); c.551C>T, p.Thr184Ile (NM_001367804.2, NM_004856.7, NM_138555.4); short protein forms T184I, T74I.
Identifiers: ClinVar variation 4781732 (VCV004781732.1).
Genomic context (GRCh38, chr15:69,422,423, plus strand): 5'-AGTGTGAGGTTGATGCCTTATTAGAACGTCAGAAAAGAGAAGCTATGCCCAATCCAAAGA[C>T]TTCTTCTAGCAAGTAAGTAATTATATTTGTCTGCAGCACTGGCCTAGGGGCACAGGATTC-3'
Protein context (NP_001354734.1, residues 174-194): QKREAMPNPK[Thr184Ile]SSSKRQVDPE